The following is an entry in ClinVar:

ClinVar aggregate classification (germline): Conflicting classifications of pathogenicity. Review status: criteria provided, conflicting classifications (1 of 4 stars). 5 submissions from 5 submitters: Uncertain significance (2); Likely benign (3). Last evaluated 2025-12-14.

Conditions:
Hyperphosphatasemia with bone disease (PDB5). Also called: HYPEROSTOSIS CORTICALIS DEFORMANS JUVENILIS; HYPERPHOSPHATASEMIA, CHRONIC CONGENITAL IDIOPATHIC; HYPERPHOSPHATASIA, FAMILIAL IDIOPATHIC; PAGET DISEASE OF BONE 5, JUVENILE-ONSET; Paget disease of bone 5; Osteoectasia familial. Identifiers: Orphanet 2801, MedGen C0268414, MONDO:0009394, OMIM 239000.

Allele frequency attached by ClinVar (database versions not stated): ESP Exome Variant Server 0.00054; gnomAD exomes 0.00075 and 0.00093; ExAC 0.00077; gnomAD 0.00081 and 0.00086; TOPMed 0.00109; 1000 Genomes Project 30x 0.00156; 1000 Genomes Project 0.00180.

Submissions (5):

Labcorp Genetics (formerly Invitae), Labcorp
Classification: Likely benign. Last evaluated: 2025-12-14. Review status: criteria provided, single submitter. Criteria: Invitae Variant Classification Sherloc (09022015). Collection method: clinical testing. Allele origin: germline.

Blueprint Genetics
Classification: Likely benign. Last evaluated: 2024-11-26. Review status: criteria provided, single submitter. Criteria: ACMG Guidelines, 2015. Collection method: clinical testing. Allele origin: germline.

CeGaT Center for Human Genetics Tuebingen
Classification: Likely benign. Last evaluated: 2022-08-01. Review status: criteria provided, single submitter. Criteria: CeGaT Center For Human Genetics Tuebingen Variant Classification Criteria Version 2. Collection method: clinical testing. Allele origin: germline. Affected: yes. Observed: 1 variant allele.
Comment: TNFRSF11B: BP4, BP7

Illumina Laboratory Services, Illumina
Classification: Uncertain significance for Hyperphosphatasemia with bone disease. Last evaluated: 2018-01-13. Review status: criteria provided, single submitter. Criteria: ICSL Variant Classification Criteria 13 December 2019. Collection method: clinical testing. Allele origin: germline.

Eurofins Ntd Llc (ga)
Classification: Uncertain significance. Last evaluated: 2017-09-26. Review status: criteria provided, single submitter. Criteria: EGL Classification Definitions 2015. Collection method: clinical testing. Allele origin: germline. Observed: 1 variant allele, 1 heterozygote.

NM_002546.4(TNFRSF11B):c.234C>T (p.Asp78=)

Gene: TNFRSF11B (TNF receptor superfamily member 11b; minus strand). Cytogenetic location: 8q24.12.
Variant type: single nucleotide variant.
Coding change: c.234C>T on transcript NM_002546.4 (MANE Select); coding-DNA position 234, C replaced by T.
Protein change: p.Asp78=; no amino-acid change (aspartic acid 78 retained).
Molecular consequence: synonymous variant.
Genome position (GRCh38, 1-based): chr8:118,933,097, G>A on the plus strand (C>T on the coding strand, the complement: TNFRSF11B is on the minus strand). VCF-style: chr8-118933097-G-A. GRCh37 (hg19) VCF-style: chr8-119945336-G-A.
Identifiers: ClinVar variation 361694 (VCV000361694.44), dbSNP rs144654126, ClinGen allele CA4854968.